The following is an entry in ClinVar:

ClinVar aggregate classification (germline): Likely benign (1 of 4 stars; one submission).

Submission:

CeGaT Center for Human Genetics Tuebingen
Classification: Likely benign. Last evaluated: 2025-02-01. Review status: criteria provided, single submitter. Criteria: CeGaT Center For Human Genetics Tuebingen Variant Classification Criteria Version 2. Collection method: clinical testing. Allele origin: germline. Affected: yes. Observed: 1 variant allele.
Comment: GOLGA6L7: BS2

NM_001365371.2(GOLGA6L7):c.418C>T (p.Arg140Trp)

Gene: GOLGA6L7 (golgin A6 family like 7; minus strand). Cytogenetic location: 15q13.1.
Variant type: single nucleotide variant.
Coding change: c.418C>T on transcript NM_001365371.2 (MANE Select); coding-DNA position 418, C replaced by T.
Protein change: p.Arg140Trp; replaces arginine 140 with tryptophan.
Molecular consequence: missense variant.
Genome position (GRCh38, 1-based): chr15:28,845,573, G>A on the plus strand (C>T on the coding strand, the complement: GOLGA6L7 is on the minus strand). VCF-style: chr15-28845573-G-A. GRCh37 (hg19) VCF-style: chr15-29090719-G-A.
Other names: short protein forms R140W.
Identifiers: ClinVar variation 3770845 (VCV003770845.13).
Genomic context (GRCh38, chr15:28,845,573, plus strand): 5'-AGGTGGTTGGACTCACCTTGTCCGCCCTCTCGTGCTCTGCGGACATAGCAGAGAGAGCCC[G>A]CTGTAACTCTCCTGCAAAGTGCCAGGAATGATGCAGGCGGGCTGCCAGATCCTTGGAATC-3'
Protein context (NP_001352300.1, residues 130-150): HSWHFAGELQ[Arg140Trp]ALSAMSAEHE